The following is an entry in ClinVar:

NM_002900.3(RBP3):c.2909G>A (p.Ser970Asn)

Gene: RBP3 (retinol binding protein 3; plus strand). Cytogenetic location: 10q11.22.
Variant type: single nucleotide variant.
Coding change: c.2909G>A on transcript NM_002900.3 (MANE Select); coding-DNA position 2909, G replaced by A.
Protein change: p.Ser970Asn; replaces serine 970 with asparagine.
Molecular consequence: missense variant.
Genome position (GRCh38, 1-based): chr10:47,351,393, G>A. VCF-style: chr10-47351393-G-A. GRCh37 (hg19) VCF-style: chr10-48387969-C-T.
Other names: short protein forms S970N.
Identifiers: ClinVar variation 1046066 (VCV001046066.8), dbSNP rs1209861528, ClinGen allele CA376675589.
Genomic context (GRCh38, chr10:47,351,393, plus strand): 5'-ATAACTATGCCTCTGCCGAGCTGGGGGCCAAGATGGCCACCAAACTGAGCGGTCTGCAGA[G>A]CCGCTACTCCAGGGTGACCTCAGAAGTGGCCCTAGCCGAGATCCTGGGGGCTGACCTGCA-3'
Protein context (NP_002891.1, residues 960-980): KMATKLSGLQ[Ser970Asn]RYSRVTSEVA

ClinVar aggregate classification (germline): Uncertain significance (1 of 4 stars; one submission).

Submission:

Labcorp Genetics (formerly Invitae), Labcorp
Classification: Uncertain significance. Last evaluated: 2025-01-06. Review status: criteria provided, single submitter. Criteria: Invitae Variant Classification Sherloc (09022015). Collection method: clinical testing. Allele origin: germline.
Comment: This sequence change replaces serine, which is neutral and polar, with asparagine, which is neutral and polar, at codon 970 of the RBP3 protein (p.Ser970Asn). This variant is not present in population databases (gnomAD no frequency). This variant has not been reported in the literature in individuals affected with RBP3-related conditions. ClinVar contains an entry for this variant (Variation ID: 1046066). Invitae Evidence Modeling of protein sequence and biophysical properties (such as structural, functional, and spatial information, amino acid conservation, physicochemical variation, residue mobility, and thermodynamic stability) indicates that this missense variant is not expected to disrupt RBP3 protein function with a negative predictive value of 80%. In summary, the available evidence is currently insufficient to determine the role of this variant in disease. Therefore, it has been classified as a Variant of Uncertain Significance.